The following is an entry in ClinVar:

ClinVar aggregate classification (germline): Uncertain significance (1 of 4 stars; one submission).

Conditions:
VPS13B-related disorder. Also called: VPS13B-related condition.

gnomAD v4.1: 1 of 1,613,494 alleles (0.000062%); highest among the groups gnomAD compares: Admixed American, 0.0017%; no homozygotes.

Submission:

PreventionGenetics, part of Exact Sciences
Classification: Uncertain significance for VPS13B-related condition. Last evaluated: 2025-07-20. Review status: criteria provided, single submitter. Criteria: ACMG Guidelines, 2015. Collection method: clinical testing. Allele origin: germline.
Comment: The VPS13B c.5208C>G variant is predicted to result in the amino acid substitution p.Asn1736Lys. To our knowledge, this variant has not been reported in the literature or in a large population database (gnomAD), indicating this variant is rare. At this time, the clinical significance of this variant is uncertain due to the absence of conclusive functional and genetic evidence.

NM_152564.5(VPS13B):c.5208C>G (p.Asn1736Lys)

Gene: VPS13B (vacuolar protein sorting 13 homolog B; plus strand). Cytogenetic location: 8q22.2.
Variant type: single nucleotide variant.
Coding change: c.5208C>G on transcript NM_152564.5 (MANE Select); coding-DNA position 5208, C replaced by G.
Protein change: p.Asn1736Lys; replaces asparagine 1736 with lysine.
Molecular consequence: missense variant.
Genome position (GRCh38, 1-based): chr8:99,577,621, C>G. VCF-style: chr8-99577621-C-G. GRCh37 (hg19) VCF-style: chr8-100589849-C-G.
Other names: c.5283C>G, p.Asn1761Lys (NM_017890.5); short protein forms N1736K, N1761K.
Identifiers: ClinVar variation 4999045 (VCV004999045.1).